The following is an entry in ClinVar:

NM_007023.4(RAPGEF4):c.2116G>A (p.Gly706Arg)

Gene: RAPGEF4 (Rap guanine nucleotide exchange factor 4; plus strand). Cytogenetic location: 2q31.1.
Variant type: single nucleotide variant.
Coding change: c.2116G>A on transcript NM_007023.4 (MANE Select); coding-DNA position 2116, G replaced by A.
Protein change: p.Gly706Arg; replaces glycine 706 with arginine.
Molecular consequence: missense variant. On other transcripts: non-coding transcript variant (3), intron variant (2).
Genome position (GRCh38, 1-based): chr2:173,018,763, G>A. VCF-style: chr2-173018763-G-A. GRCh37 (hg19) VCF-style: chr2-173883491-G-A.
Other names: c.1684G>A, p.Gly562Arg (NM_001100397.2); c.1657G>A, p.Gly553Arg (NM_001282899.2); c.1603G>A, p.Gly535Arg (NM_001282900.2); c.1456G>A, p.Gly486Arg (NM_001282901.2); c.2086G>A, p.Gly696Arg (NM_001375864.1); c.2116G>A, p.Gly706Arg (NM_001375865.1, NM_001375869.1, NM_001375870.1 and 1 more transcripts); c.2062G>A, p.Gly688Arg (NM_001375866.1, NM_001375873.1, NM_001375874.1); c.2023G>A, p.Gly675Arg (NM_001375867.1); and 2 more; short protein forms G706R, G535R, G562R, G486R, G553R, G675R, G688R, G696R.
Identifiers: ClinVar variation 516570 (VCV000516570.2), dbSNP rs61741755, ClinGen allele CA1969953.

ClinVar aggregate classification (germline): Likely benign. Review status: criteria provided, multiple submitters, no conflicts (2 of 4 stars). 2 submissions from 2 submitters: Likely benign (2). Last evaluated 2017-08-11.

Allele frequency attached by ClinVar (database versions not stated): 1000 Genomes Project 0.00020; 1000 Genomes Project 30x 0.00047; TOPMed 0.00087; ESP Exome Variant Server 0.00116; ExAC 0.00188; gnomAD 0.00211 and 0.00221.
gnomAD v4.1: 2,916 of 1,613,982 alleles (0.18%); highest among the groups gnomAD compares: Non-Finnish European, 0.16%; 3 homozygotes.

Submissions (2):

GeneDx
Classification: Likely benign. Last evaluated: 2017-08-11. Review status: criteria provided, single submitter. Criteria: GeneDx Variant Classification (06012015). Collection method: clinical testing. Allele origin: germline. Affected: yes.
Comment: This variant is considered likely benign or benign based on one or more of the following criteria: it is a conservative change, it occurs at a poorly conserved position in the protein, it is predicted to be benign by multiple in silico algorithms, and/or has population frequency not consistent with disease.

Breakthrough Genomics
Classification: Likely benign. Review status: criteria provided, single submitter. Criteria: ACMG Guidelines, 2015. Collection method: not provided. Allele origin: germline. Inheritance: Unknown mechanism. Affected: yes.